The following is an entry in ClinVar:

ClinVar aggregate classification (germline): Pathogenic/Likely pathogenic. Review status: criteria provided, multiple submitters, no conflicts (2 of 4 stars). 2 submissions from 2 submitters: Pathogenic (1); Likely pathogenic (1). Last evaluated 2025-02-07.

Submissions (2):

Labcorp Genetics (formerly Invitae), Labcorp
Classification: Pathogenic. Last evaluated: 2025-02-07. Review status: criteria provided, single submitter. Criteria: Invitae Variant Classification Sherloc (09022015). Collection method: clinical testing. Allele origin: germline.
Comment: This sequence change creates a premature translational stop signal (p.Pro491Glnfs*65) in the LZTR1 gene. It is expected to result in an absent or disrupted protein product. Loss-of-function variants in LZTR1 are known to be pathogenic (PMID: 24362817, 25335493, 25480913, 25795793, 29469822, 30368668, 30442762, 30442766, 30481304, 30859559). This variant is not present in population databases (gnomAD no frequency). This variant has not been reported in the literature in individuals affected with LZTR1-related conditions. ClinVar contains an entry for this variant (Variation ID: 2441282). For these reasons, this variant has been classified as Pathogenic.

Revvity Omics, Revvity
Classification: Likely pathogenic. Last evaluated: 2021-11-22. Review status: criteria provided, single submitter. Criteria: ACMG Guidelines, 2015. Collection method: clinical testing. Allele origin: germline.

Literature cited by the submitters: PubMed 24362817 (cited by Labcorp Genetics (formerly Invitae), Labcorp); PubMed 25335493 (cited by Labcorp Genetics (formerly Invitae), Labcorp); PubMed 25480913 (cited by Labcorp Genetics (formerly Invitae), Labcorp); PubMed 25795793 (cited by Labcorp Genetics (formerly Invitae), Labcorp); PubMed 29469822 (cited by Labcorp Genetics (formerly Invitae), Labcorp); PubMed 30368668 (cited by Labcorp Genetics (formerly Invitae), Labcorp); PubMed 30442762 (cited by Labcorp Genetics (formerly Invitae), Labcorp); PubMed 30442766 (cited by Labcorp Genetics (formerly Invitae), Labcorp); PubMed 30481304 (cited by Labcorp Genetics (formerly Invitae), Labcorp); PubMed 30859559 (cited by Labcorp Genetics (formerly Invitae), Labcorp).

NM_006767.4(LZTR1):c.1472del (p.Pro491fs)

Gene: LZTR1 (leucine zipper like post translational regulator 1; plus strand). Cytogenetic location: 22q11.21.
Variant type: Deletion.
Coding change: c.1472del on transcript NM_006767.4 (MANE Select); coding-DNA position 1472, one base deleted (C; older notation c.1472delC).
Protein change: p.Pro491fs; shifts the reading frame from proline 491.
Molecular consequence: frameshift variant.
Genome position (GRCh38, 1-based): chr22:20,994,126, C deleted; the last of 4 consecutive C bases (chr22:20,994,123-20,994,126); deleting any one gives the same sequence. VCF-style (leftmost placement, unchanged base first): chr22-20994122-GC-G. GRCh37 (hg19) VCF-style: chr22-21348411-GC-G.
Other names: short protein forms P491fs.
Identifiers: ClinVar variation 2441282 (VCV002441282.4), dbSNP rs775362512, ClinGen allele CA10118908.